The following is an entry in ClinVar:

ClinVar aggregate classification (germline): Uncertain significance. Review status: criteria provided, multiple submitters, no conflicts (2 of 4 stars). 2 submissions from 2 submitters: Uncertain significance (2). Last evaluated 2022-07-26.

Conditions:
Inborn genetic diseases. Identifiers: MedGen C0950123, MeSH D030342.
Medium-chain acyl-coenzyme A dehydrogenase deficiency (ACADMD). Also called: MCADH DEFICIENCY; MCADD; MCAD Deficiency; ACADM DEFICIENCY; CARNITINE DEFICIENCY SECONDARY TO MEDIUM-CHAIN ACYL-CoA DEHYDROGENASE DEFICIENCY; Medium chain acyl-CoA dehydrogenase deficiency. Identifiers: Orphanet 42, MedGen C0220710, MONDO:0008721, OMIM 201450.

Allele frequency attached by ClinVar (database versions not stated): gnomAD exomes below 0.00001; ExAC 0.00001.

Submissions (2):

Labcorp Genetics (formerly Invitae), Labcorp
Classification: Uncertain significance for Medium-chain acyl-coenzyme A dehydrogenase deficiency. Last evaluated: 2022-07-26. Review status: criteria provided, single submitter. Criteria: Invitae Variant Classification Sherloc (09022015). Collection method: clinical testing. Allele origin: germline.
Comment: This sequence change replaces proline, which is neutral and non-polar, with alanine, which is neutral and non-polar, at codon 209 of the ACADM protein (p.Pro209Ala). This variant is present in population databases (rs765741682, gnomAD 0.003%). This variant has not been reported in the literature in individuals affected with ACADM-related conditions. ClinVar contains an entry for this variant (Variation ID: 1474544). Algorithms developed to predict the effect of missense changes on protein structure and function (SIFT, PolyPhen-2, Align-GVGD) all suggest that this variant is likely to be tolerated. In summary, the available evidence is currently insufficient to determine the role of this variant in disease. Therefore, it has been classified as a Variant of Uncertain Significance.

Ambry Genetics
Classification: Uncertain significance for Inborn genetic diseases. Last evaluated: 2022-07-03. Review status: criteria provided, single submitter. Criteria: Ambry Variant Classification Scheme 2023. Collection method: clinical testing. Allele origin: germline.
Comment: The p.P209A variant (also known as c.625C>G), located in coding exon 8 of the ACADM gene, results from a C to G substitution at nucleotide position 625. The proline at codon 209 is replaced by alanine, an amino acid with highly similar properties. This amino acid position is conserved. In addition, the in silico prediction for this alteration is inconclusive. Since supporting evidence is limited at this time, the clinical significance of this alteration remains unclear.

NM_000016.6(ACADM):c.625C>G (p.Pro209Ala)

Gene: ACADM (acyl-CoA dehydrogenase medium chain; plus strand). Cytogenetic location: 1p31.1.
Variant type: single nucleotide variant.
Coding change: c.625C>G on transcript NM_000016.6 (MANE Select); coding-DNA position 625, C replaced by G.
Protein change: p.Pro209Ala; replaces proline 209 with alanine.
Molecular consequence: missense variant.
Genome position (GRCh38, 1-based): chr1:75,745,831, C>G. VCF-style: chr1-75745831-C-G. GRCh37 (hg19) VCF-style: chr1-76211516-C-G.
Other names: c.637C>G, p.Pro213Ala (NM_001127328.3); c.517C>G, p.Pro173Ala (NM_001286042.2); c.724C>G, p.Pro242Ala (NM_001286043.2); c.58C>G, p.Pro20Ala (NM_001286044.2); short protein forms P242A, P209A, P20A, P173A, P213A.
Identifiers: ClinVar variation 1474544 (VCV001474544.5), dbSNP rs765741682, ClinGen allele CA913161.